The following is an entry in ClinVar:

ClinVar aggregate classification (germline): Uncertain significance (1 of 4 stars; one submission).

Conditions:
ACTG1-related disorder. Also called: ACTG1-related condition; ACTG1-related disorders.

Submission:

PreventionGenetics, part of Exact Sciences
Classification: Uncertain significance for ACTG1-related condition. Last evaluated: 2025-12-03. Review status: criteria provided, single submitter. Criteria: ACMG Guidelines, 2015. Collection method: clinical testing. Allele origin: germline.
Comment: The ACTG1 c.542C>G variant is predicted to result in the amino acid substitution p.Ala181Gly. This variant was reported in an individual with early-onset hearing loss (Table S3, Sloan-Heggen et al. 2016. PubMed ID: 26969326). In addition, a different amino acid substitution at this position (c.542C>T, p.Ala181Val) has been reported to occur de novo in a patient with Baraitser-Winter syndrome (Dawidziuk et al. 2022. PubMed ID: 35054877). This variant has not been reported in a large population database (gnomAD), indicating this variant is rare. At this time, the clinical significance of this variant is uncertain due to the absence of conclusive functional and genetic evidence.

NM_001614.5(ACTG1):c.542C>G (p.Ala181Gly)

Gene: ACTG1 (actin gamma 1; minus strand). Cytogenetic location: 17q25.3.
Variant type: single nucleotide variant.
Coding change: c.542C>G on transcript NM_001614.5 (MANE Select); coding-DNA position 542, C replaced by G.
Protein change: p.Ala181Gly; replaces alanine 181 with glycine.
Molecular consequence: missense variant. On other transcripts: non-coding transcript variant (1).
Genome position (GRCh38, 1-based): chr17:81,511,448, G>C on the plus strand (C>G on the coding strand, the complement: ACTG1 is on the minus strand). VCF-style: chr17-81511448-G-C. GRCh37 (hg19) VCF-style: chr17-79478474-G-C.
Other names: c.542C>G, p.Ala181Gly (NM_001199954.3); short protein forms A181G.
Identifiers: ClinVar variation 4998718 (VCV004998718.1).